The following is an entry in ClinVar:

ClinVar aggregate classification (germline): Uncertain significance (1 of 4 stars; one submission).

Allele frequency attached by ClinVar (database versions not stated): gnomAD exomes below 0.00001.
gnomAD v4.1: 1 of 1,612,836 alleles (0.000062%); highest among the groups gnomAD compares: African/African-American, 0.0013%; no homozygotes.

Submission:

GeneDx
Classification: Uncertain significance. Last evaluated: 2019-05-08. Review status: criteria provided, single submitter. Criteria: GeneDx Variant Classification Process June 2021. Collection method: clinical testing. Allele origin: germline. Affected: yes.
Comment: Has not been previously published as pathogenic or benign to our knowledge; Not observed in large population cohorts (Lek et al., 2016); In silico analysis, which includes protein predictors and evolutionary conservation, supports that this variant does not alter protein structure/function; In-silico analysis, which includes splice predictors and evolutionary conservation, is inconclusive as to whether the variant alters gene splicing. In the absence of RNA/functional studies, the actual effect of this sequence change is unknown.

NM_002381.5(MATN3):c.1439A>T (p.Glu480Val)

Genes: MATN3 (matrilin 3; minus strand), WDR35-DT (WDR35 divergent transcript; plus strand). Cytogenetic location: 2p24.1.
Variant type: single nucleotide variant.
Coding change: c.1439A>T on transcript NM_002381.5 (MANE Select); coding-DNA position 1439, A replaced by T.
Protein change: p.Glu480Val; replaces glutamic acid 480 with valine.
Molecular consequence: missense variant.
Genome position (GRCh38, 1-based): chr2:19,993,133, T>A on the plus strand (A>T on the coding strand, the complement: MATN3 is on the minus strand). VCF-style: chr2-19993133-T-A. GRCh37 (hg19) VCF-style: chr2-20192894-T-A.
Other names: short protein forms E480V.
Identifiers: ClinVar variation 1305514 (VCV001305514.2), dbSNP rs2103477565, ClinGen allele CA345948823.
Genomic context (GRCh38, chr2:19,993,133, plus strand): 5'-CAAGCTGTCCACATTTTCAGGTGAGAAATTGGAGCAATTTAACGATGTATTTGTCCATAT[T>A]CATTTATTTTCAACTTCTCCAAAATGTCATCAAGTGGCAAGTTGTTAAGGCCAACACCAT-3'
Protein context (NP_002372.1, residues 470-486): DDILEKLKIN[Glu480Val]YGQIHR